The following is an entry in ClinVar:

NM_000245.4(MET):c.4018A>C (p.Ile1340Leu)

Gene: MET (MET proto-oncogene, receptor tyrosine kinase; plus strand). Cytogenetic location: 7q31.2.
Variant type: single nucleotide variant.
Coding change: c.4018A>C on transcript NM_000245.4 (MANE Select); coding-DNA position 4018, A replaced by C.
Protein change: p.Ile1340Leu; replaces isoleucine 1340 with leucine.
Molecular consequence: missense variant.
Genome position (GRCh38, 1-based): chr7:116,795,969, A>C. VCF-style: chr7-116795969-A-C. GRCh37 (hg19) VCF-style: chr7-116436023-A-C.
Other names: c.4072A>C, p.Ile1358Leu (NM_001127500.3); c.2728A>C, p.Ile910Leu (NM_001324402.2); short protein forms I910L, I1340L, I1358L.
Identifiers: ClinVar variation 2453401 (VCV002453401.2), dbSNP rs1060503543, ClinGen allele CA369118218.
Genomic context (GRCh38, chr7:116,795,969, plus strand): 5'-TGGCACCCTAAAGCCGAAATGCGCCCATCCTTTTCTGAACTGGTGTCCCGGATATCAGCG[A>C]TCTTCTCTACTTTCATTGGGGAGCACTATGTCCATGTGAACGCTACTTATGTGAACGTAA-3'
Protein context (NP_000236.2, residues 1330-1350): FSELVSRISA[Ile1340Leu]FSTFIGEHYV

ClinVar aggregate classification (germline): Uncertain significance (1 of 4 stars; one submission).

Conditions:
Hereditary cancer-predisposing syndrome. Also called: Neoplastic Syndromes, Hereditary; Tumor predisposition; Hereditary neoplastic syndrome; Hereditary Cancer Syndrome. Identifiers: Orphanet 140162, MedGen C0027672, MeSH D009386, MONDO:0015356.

Submission:

Ambry Genetics
Classification: Uncertain significance for Hereditary cancer-predisposing syndrome. Last evaluated: 2023-01-13. Review status: criteria provided, single submitter. Criteria: Ambry Variant Classification Scheme 2023. Collection method: clinical testing. Allele origin: germline.
Comment: The p.I1358L variant (also known as c.4072A>C), located in coding exon 20 of the MET gene, results from an A to C substitution at nucleotide position 4072. The isoleucine at codon 1358 is replaced by leucine, an amino acid with highly similar properties. This amino acid position is conserved. In addition, this alteration is predicted to be tolerated by in silico analysis. Since supporting evidence is limited at this time, the clinical significance of this alteration remains unclear.